The following is an entry in ClinVar:

NM_201384.3(PLEC):c.8578G>A (p.Glu2860Lys)

Gene: PLEC (plectin; minus strand). Cytogenetic location: 8q24.3.
Variant type: single nucleotide variant.
Coding change: c.8578G>A on transcript NM_201384.3 (MANE Select); coding-DNA position 8578, G replaced by A.
Protein change: p.Glu2860Lys; replaces glutamic acid 2860 with lysine.
Molecular consequence: missense variant.
Genome position (GRCh38, 1-based): chr8:143,921,243, C>T on the plus strand (G>A on the coding strand, the complement: PLEC is on the minus strand). VCF-style: chr8-143921243-C-T. GRCh37 (hg19) VCF-style: chr8-144995411-C-T.
Other names: c.8659G>A, p.Glu2887Lys (NM_000445.5); c.8536G>A, p.Glu2846Lys (NM_201378.4); c.8512G>A, p.Glu2838Lys (NM_201379.3); c.8989G>A, p.Glu2997Lys (NM_201380.4); c.8482G>A, p.Glu2828Lys (NM_201381.3); c.8578G>A, p.Glu2860Lys (NM_201382.4); c.8590G>A, p.Glu2864Lys (NM_201383.3); short protein forms E2846K, E2887K, E2828K, E2838K, E2860K, E2864K, E2997K.
Identifiers: ClinVar variation 954782 (VCV000954782.7), dbSNP rs782398879, ClinGen allele CA4925260.

ClinVar aggregate classification (germline): Uncertain significance (1 of 4 stars; one submission).

Conditions:
Epidermolysis bullosa simplex 5C, with pyloric atresia (EBS5C). Also called: PLEC-Related Epidermolysis Bullosa with Pyloric Atresia; Epidermolysis bullosa simplex with pyloric atresia; PLEC1-Related Epidermolysis Bullosa with Pyloric Atresia. Identifiers: Orphanet 158684, MedGen C2677349, MONDO:0012807, OMIM 612138.
Epidermolysis bullosa simplex 5B, with muscular dystrophy (EBS5B). Also called: Epidermolysis bullosa simplex with muscular dystrophy; EPIDERMOLYSIS BULLOSA SIMPLEX AND LIMB-GIRDLE MUSCULAR DYSTROPHY. Identifiers: Orphanet 257, MedGen C2931072, MONDO:0009181, OMIM 226670.
Epidermolysis bullosa simplex, Ogna type (EBS5A). Also called: Pidermolysis bullosa simplex 5A, Ogna type; EPIDERMOLYSIS BULLOSA SIMPLEX 5A, OGNA TYPE. Identifiers: Orphanet 79401, MedGen C0432317, MONDO:0007555, OMIM 131950.
Autosomal recessive limb-girdle muscular dystrophy type 2Q (LGMDR17). Also called: MUSCULAR DYSTROPHY, LIMB-GIRDLE, AUTOSOMAL RECESSIVE 17. Identifiers: Orphanet 254361, MedGen C3150989, MONDO:0013390, OMIM 613723.
Epidermolysis bullosa simplex with nail dystrophy (EBS5D). Identifiers: MedGen C4225309, MONDO:0014661, OMIM 616487.

Allele frequency attached by ClinVar (database versions not stated): TOPMed below 0.00001; gnomAD exomes 0.00001; ExAC 0.00002.
gnomAD v4.1: 8 of 1,614,096 alleles (0.0005%); highest among the groups gnomAD compares: Non-Finnish European, 0.00059%; no homozygotes.

Submission:

Labcorp Genetics (formerly Invitae), Labcorp
Classification: Uncertain significance for Autosomal recessive limb-girdle muscular dystrophy type 2Q; Epidermolysis bullosa simplex, Ogna type; Epidermolysis bullosa simplex with nail dystrophy; Epidermolysis bullosa simplex 5C, with pyloric atresia; Epidermolysis bullosa simplex 5B, with muscular dystrophy. Last evaluated: 2024-03-23. Review status: criteria provided, single submitter. Criteria: Invitae Variant Classification Sherloc (09022015). Collection method: clinical testing. Allele origin: germline.
Comment: This sequence change replaces glutamic acid, which is acidic and polar, with lysine, which is basic and polar, at codon 2887 of the PLEC protein (p.Glu2887Lys). This variant is present in population databases (rs782398879, gnomAD 0.002%). This variant has not been reported in the literature in individuals affected with PLEC-related conditions. ClinVar contains an entry for this variant (Variation ID: 954782). An algorithm developed to predict the effect of missense changes on protein structure and function (PolyPhen-2) suggests that this variant is likely to be disruptive. In summary, the available evidence is currently insufficient to determine the role of this variant in disease. Therefore, it has been classified as a Variant of Uncertain Significance.